The following is an entry in ClinVar:

NC_000002.11:g.(?_51148987)_(51149038_?)del

Gene: NRXN1 (neurexin 1; minus strand). Cytogenetic location: 2p16.3.
Variant type: Deletion.
Identifiers: ClinVar variation 1373633 (VCV001373633.6).

ClinVar aggregate classification (germline): Uncertain significance (1 of 4 stars; one submission).

Conditions:
Pitt-Hopkins-like syndrome 2 (PTHSL2). Identifiers: Orphanet 221150, Orphanet 600663, MedGen C3280479, MONDO:0013690, OMIM 614325.

Submission:

Labcorp Genetics (formerly Invitae), Labcorp
Classification: Uncertain significance for Pitt-Hopkins-like syndrome 2. Last evaluated: 2021-05-06. Review status: criteria provided, single submitter. Criteria: Invitae Variant Classification Sherloc (09022015). Collection method: clinical testing. Allele origin: germline.
Comment: In summary, the available evidence is currently insufficient to determine the role of this variant in disease. Therefore, it has been classified as a Variant of Uncertain Significance. Experimental studies and prediction algorithms are not available or were not evaluated, and the functional significance of this variant is currently unknown. A similar copy number variant has been observed in individual(s) with clinical features of NRXN1-related conditions (PMID: 23495017). This variant is a gross deletion of the genomic region encompassing exon(s) 6 of the NRXN1 gene. This variant would be expected to be in-frame, preserving the integrity of the reading frame.

Literature cited by the submitters: PubMed 23495017.